The following is an entry in ClinVar:

ClinVar aggregate classification (germline): Uncertain significance. Review status: criteria provided, multiple submitters, no conflicts (2 of 4 stars). 2 submissions from 2 submitters: Uncertain significance (2). Last evaluated 2026-04-14.

Conditions:
Progressive familial intrahepatic cholestasis type 1. Also called: BYLER DISEASE; Byler's disease; Severe ATP8B1 Deficiency (Progressive Familial Intrahepatic Cholestasis Type 1 [PFIC1]). Identifiers: Orphanet 79306, MedGen C4551898, MONDO:0008892, OMIM 211600.
Familial intrahepatic cholestasis. Identifiers: Orphanet 284385, MedGen CN296401, MONDO:0017290.

Allele frequency attached by ClinVar (database versions not stated): gnomAD exomes below 0.00001; gnomAD 0.00001; TOPMed 0.00001.
gnomAD v4.1: 31 of 1,612,012 alleles (0.0019%); highest among the groups gnomAD compares: Non-Finnish European, 0.0024%; no homozygotes.

Submissions (2):

Genomenon, Inc
Classification: Uncertain significance for Familial intrahepatic cholestasis. Last evaluated: 2026-04-14. Review status: criteria provided, single submitter. Criteria: Genomenon Sequence Variant Interpretation Standards - Updated. Collection method: curation. Allele origin: germline. Affected: no.
Comment: ATP8B1 p.Glu114Gln (c.340G>C) is a missense variant that changes the amino acid at residue 114 from Glutamic acid to Glutamine. This variant has been reported in the published literature (PMID:28924228;35416773). It is absent or not present at a significant frequency in gnomAD. In silico models predict that this variant is possibly or probably damaging. In conclusion, we classify ATP8B1 p.Glu114Gln (c.340G>C) as a variant of uncertain significance.

Illumina Laboratory Services, Illumina
Classification: Uncertain significance for Progressive familial intrahepatic cholestasis type 1. Last evaluated: 2018-01-13. Review status: criteria provided, single submitter. Criteria: ICSL Variant Classification Criteria 13 December 2019. Collection method: clinical testing. Allele origin: germline.

Literature cited by the submitters: PubMed 28924228 (cited by Genomenon, Inc); PubMed 35416773 (cited by Genomenon, Inc).

NM_001374385.1(ATP8B1):c.340G>C (p.Glu114Gln)

Gene: ATP8B1 (ATPase phospholipid transporting 8B1; minus strand). Cytogenetic location: 18q21.31.
Variant type: single nucleotide variant.
Coding change: c.340G>C on transcript NM_001374385.1 (MANE Select); coding-DNA position 340, G replaced by C.
Protein change: p.Glu114Gln; replaces glutamic acid 114 with glutamine.
Molecular consequence: missense variant.
Genome position (GRCh38, 1-based): chr18:57,704,608, C>G on the plus strand (G>C on the coding strand, the complement: ATP8B1 is on the minus strand). VCF-style: chr18-57704608-C-G. GRCh37 (hg19) VCF-style: chr18-55371840-C-G.
Other names: c.190G>C, p.Glu64Gln (NM_001374386.1); c.340G>C, p.Glu114Gln (NM_005603.6); short protein forms E114Q, E64Q.
Identifiers: ClinVar variation 327494 (VCV000327494.6), dbSNP rs753142591, ClinGen allele CA10651963.